The following is an entry in ClinVar:

NM_001184880.2(PCDH19):c.2470_2474dup (p.Cys825fs)

Genes: PCDH19 (protocadherin 19; minus strand), LOC125467768 (CDK7 strongly-dependent group 2 enhancer GRCh37_chrX:99657381-99658580; plus strand). Cytogenetic location: Xq22.1.
Variant type: Duplication.
Coding change: c.2470_2474dup on transcript NM_001184880.2 (MANE Select); coding-DNA positions 2470 to 2474, 5 bases duplicated (GGCTG; older notation c.2470_2474dupGGCTG).
Protein change: p.Cys825fs; shifts the reading frame from cysteine 825.
Molecular consequence: frameshift variant.
Genome position (GRCh38, 1-based): chrX:100,402,666-100,402,670, CAGCC duplicated on the plus strand (GGCTG on the coding strand, the reverse complement: PCDH19 is on the minus strand); duplicating any 5 consecutive bases within chrX:100,402,666-100,402,673 gives the same sequence; the c. name uses the placement nearest the transcript's 3' end. VCF-style (leftmost placement, unchanged base first): chrX-100402665-G-GCAGCC. GRCh37 (hg19) VCF-style: chrX-99657663-G-GCAGCC.
Other names: c.2329_2333dup, p.Cys778fs (NM_001105243.2, NM_020766.3); short protein forms C778fs, C825fs.
Identifiers: ClinVar variation 862065 (VCV000862065.11), dbSNP rs1928224021, ClinGen allele CA916083989.

ClinVar aggregate classification (germline): Pathogenic (1 of 4 stars; one submission).

Conditions:
Developmental and epileptic encephalopathy, 9 (DEE9). Also called: Early infantile epileptic encephalopathy 9; EPILEPSY, FEMALE-RESTRICTED, WITH MENTAL RETARDATION; JUBERG-HELLMAN SYNDROME; PCDH19-Related X-Linked Female-Limited Epilepsy with Mental Retardation. Identifiers: Orphanet 101039, Orphanet 2076, MedGen C1848137, MONDO:0010246, OMIM 300088. Disease mechanism: loss of function.

Submission:

Labcorp Genetics (formerly Invitae), Labcorp
Classification: Pathogenic for Developmental and epileptic encephalopathy, 9. Last evaluated: 2019-12-16. Review status: criteria provided, single submitter. Criteria: Invitae Variant Classification Sherloc (09022015). Collection method: clinical testing. Allele origin: germline.
Comment: This sequence change creates a premature translational stop signal (p.Cys825Trpfs*11) in the PCDH19 gene. It is expected to result in an absent or disrupted protein product. For these reasons, this variant has been classified as Pathogenic. Loss-of-function variants in PCDH19 are known to be pathogenic (PMID: 21053371). This variant has not been reported in the literature in individuals with PCDH19-related conditions. This variant is not present in population databases (ExAC no frequency).

Literature cited by the submitters: PubMed 21053371.